The following is an entry in ClinVar:

ClinVar aggregate classification (germline): Uncertain significance (1 of 4 stars; one submission).

Submission:

Labcorp Genetics (formerly Invitae), Labcorp
Classification: Uncertain significance. Last evaluated: 2023-06-25. Review status: criteria provided, single submitter. Criteria: Invitae Variant Classification Sherloc (09022015). Collection method: clinical testing. Allele origin: germline.
Comment: This sequence change creates a premature translational stop signal (p.Asn352Lysfs*12) in the SIAE gene. It is expected to result in an absent or disrupted protein product. However, the current clinical and genetic evidence is not sufficient to establish whether loss-of-function variants in SIAE cause disease. This variant is present in population databases (rs771465129, gnomAD 0.01%). This variant has not been reported in the literature in individuals affected with SIAE-related conditions. In summary, the available evidence is currently insufficient to determine the role of this variant in disease. Therefore, it has been classified as a Variant of Uncertain Significance.

NM_170601.5(SIAE):c.1056_1069del (p.Asn352fs)

Gene: SIAE (sialic acid acetylesterase; minus strand). Cytogenetic location: 11q24.2.
Variant type: Deletion.
Coding change: c.1056_1069del on transcript NM_170601.5 (MANE Select); coding-DNA positions 1056 to 1069, 14 bases deleted (CCCAAAGATGCCCA).
Protein change: p.Asn352fs; shifts the reading frame from asparagine 352.
Molecular consequence: frameshift variant.
Genome position (GRCh38, 1-based): chr11:124,639,765-124,639,778, TGGGCATCTTTGGG deleted on the plus strand (CCCAAAGATGCCCA on the coding strand, the reverse complement: SIAE is on the minus strand); deleting any 14 consecutive bases within chr11:124,639,765-124,639,779 gives the same sequence; the c. name uses the placement nearest the transcript's 3' end. VCF-style (leftmost placement, unchanged base first): chr11-124639764-TTGGGCATCTTTGGG-T. GRCh37 (hg19) VCF-style: chr11-124509660-TTGGGCATCTTTGGG-T.
Other names: c.951_964del, p.Asn317fs (NM_001199922.2); short protein forms N317fs, N352fs.
Identifiers: ClinVar variation 3019971 (VCV003019971.3), dbSNP rs771465129, ClinGen allele CA6341312.